The following is an entry in ClinVar:

NM_004727.3(SLC24A1):c.2643GGA[5] (p.Glu890del)

Gene: SLC24A1 (solute carrier family 24 member 1; plus strand). Cytogenetic location: 15q22.31.
Variant type: Microsatellite.
Coding change: c.2643GGA[5] on transcript NM_004727.3 (MANE Select); five copies in a row of the 3-base unit GGA starting at c.2643; the reference has six copies in a row; one copy, 3 bases deleted.
Protein change: p.Glu890del; deletes glutamic acid 890.
Molecular consequence: inframe deletion.
Genome position (GRCh38, 1-based): chr15:65,650,807-65,650,809, GGA deleted; deleting any 3 consecutive bases within chr15:65,650,790-65,650,809 gives the same sequence; the position shown is the placement nearest the transcript's 3' end. VCF-style (leftmost placement, unchanged base first): chr15-65650789-AGAG-A. GRCh37 (hg19) VCF-style: chr15-65943127-AGAG-A.
Other names: c.624GGA[5], p.Glu217del (NM_001254740.2); c.2643GGA[5], p.Glu890del (NM_001301031.1); c.2589GGA[5], p.Glu872del (NM_001301032.1, NM_001301033.2); c.2658_2660delGGA (NM_004727.2); short protein forms E217del, E872del, E890del.
Identifiers: ClinVar variation 1044627 (VCV001044627.6), dbSNP rs763504735, ClinGen allele CA7620173.

ClinVar aggregate classification (germline): Conflicting classifications of pathogenicity. Review status: criteria provided, conflicting classifications (1 of 4 stars). 3 submissions from 3 submitters: Uncertain significance (2); Likely benign (1). Last evaluated 2025-03-12.

Conditions:
SLC24A1-related disorder. Also called: SLC24A1-related condition.

Submissions (3):

PreventionGenetics, part of Exact Sciences
Classification: Likely benign for SLC24A1-related condition. Last evaluated: 2025-03-12. Review status: criteria provided, single submitter. Criteria: ACMG Guidelines, 2015. Collection method: clinical testing. Allele origin: germline.
Comment: This variant is classified as likely benign based on ACMG/AMP sequence variant interpretation guidelines (Richards et al. 2015 PMID: 25741868, with internal and published modifications).

Labcorp Genetics (formerly Invitae), Labcorp
Classification: Uncertain significance. Last evaluated: 2024-01-08. Review status: criteria provided, single submitter. Criteria: Invitae Variant Classification Sherloc (09022015). Collection method: clinical testing. Allele origin: germline.
Comment: This variant, c.2658_2660del, results in the deletion of 1 amino acid(s) of the SLC24A1 protein (p.Glu890del), but otherwise preserves the integrity of the reading frame. The frequency data for this variant in the population databases is considered unreliable, as metrics indicate poor data quality at this position in the gnomAD database. This variant has not been reported in the literature in individuals affected with SLC24A1-related conditions. Experimental studies and prediction algorithms are not available or were not evaluated, and the functional significance of this variant is currently unknown. In summary, the available evidence is currently insufficient to determine the role of this variant in disease. Therefore, it has been classified as a Variant of Uncertain Significance.

Breakthrough Genomics
Classification: Uncertain significance. Review status: criteria provided, single submitter. Criteria: ACMG Guidelines, 2015. Collection method: not provided. Allele origin: germline. Inheritance: Autosomal recessive inheritance. Affected: yes.